The following is an entry in ClinVar:

NM_020338.4(ZMIZ1):c.2023dup (p.His675fs)

Gene: ZMIZ1 (zinc finger MIZ-type containing 1; plus strand). Cytogenetic location: 10q22.3.
Variant type: Duplication.
Coding change: c.2023dup on transcript NM_020338.4 (MANE Select); coding-DNA position 2023, one base duplicated (C; older notation c.2023dupC).
Protein change: p.His675fs; shifts the reading frame from histidine 675.
Molecular consequence: frameshift variant.
Genome position (GRCh38, 1-based): chr10:79,302,110, C duplicated; the last of 3 consecutive C bases (chr10:79,302,108-79,302,110); duplicating any one gives the same sequence. VCF-style (leftmost placement, unchanged base first): chr10-79302107-T-TC. GRCh37 (hg19) VCF-style: chr10-81061864-T-TC.
Other names: short protein forms H675fs.
Identifiers: ClinVar variation 3356553 (VCV003356553.1).

ClinVar aggregate classification (germline): Likely pathogenic (0 of 4 stars; one submission).

Conditions:
ZMIZ1-related disorder. Also called: ZMIZ1-related condition.

Submission:

PreventionGenetics, part of Exact Sciences
Classification: Likely pathogenic for ZMIZ1-related condition. Last evaluated: 2024-09-04. Review status: no assertion criteria provided. Collection method: clinical testing. Allele origin: germline.
Comment: The ZMIZ1 c.2023dupC variant is predicted to result in a frameshift and premature protein termination (p.His675Profs*91). To our knowledge, this variant has not been reported in the literature or in a large population database, indicating this variant is rare. Frameshift variants in ZMIZ1 are expected to be pathogenic. This variant is interpreted as likely pathogenic.